The following is an entry in ClinVar:

ClinVar aggregate classification (germline): Benign. Review status: criteria provided, multiple submitters, no conflicts (2 of 4 stars). 12 submissions from 11 submitters: Benign (10). 2 of the submissions do not count toward it. Last evaluated 2026-02-03.

Conditions:
Autosomal dominant centronuclear myopathy. Also called: Myopathy, centronuclear, 3; MYOTUBULAR MYOPATHY, AUTOSOMAL DOMINANT. Identifiers: Orphanet 169189, MedGen C4551952, MeSH D020914, MONDO:0008048, OMIM 160150.
Charcot-Marie-Tooth disease dominant intermediate B (CMTDIB). Also called: CHARCOT-MARIE-TOOTH NEUROPATHY, DOMINANT INTERMEDIATE B; Charcot-Marie-Tooth disease dominant intermediate 1; CMT DI1; Charcot-Marie-Tooth disease dominant intermediate I. Identifiers: Orphanet 100044, Orphanet 228179, MedGen C1847902, MONDO:0011674, OMIM 606482.

Allele frequency attached by ClinVar (database versions not stated): gnomAD exomes 0.01805 and 0.01871; 1000 Genomes Project 30x 0.01952; ExAC 0.01957; 1000 Genomes Project 0.02077; TOPMed 0.02275; gnomAD 0.02383 and 0.02416; ESP Exome Variant Server 0.02399.
gnomAD v4.1: 29,915 of 1,614,076 alleles (1.9%); highest among the groups gnomAD compares: African/African-American, 4.3%; 391 homozygotes.

Submissions (12):

Labcorp Genetics (formerly Invitae), Labcorp
Classification: Benign for Charcot-Marie-Tooth disease dominant intermediate B. Last evaluated: 2026-02-03. Review status: criteria provided, single submitter. Criteria: Invitae Variant Classification Sherloc (09022015). Collection method: clinical testing. Allele origin: germline.

Athena Diagnostics
Classification: Benign. Last evaluated: 2025-10-10. Review status: criteria provided, single submitter. Criteria: Athena Diagnostics Criteria. Collection method: clinical testing. Allele origin: unknown.
Comment: The frequency of this variant in the general population is higher than would generally be expected for pathogenic variants in this gene.

ARUP Laboratories, Molecular Genetics and Genomics, ARUP Laboratories
Classification: Benign. Last evaluated: 2025-06-05. Review status: criteria provided, single submitter. Criteria: ARUP Molecular Germline Variant Investigation Process 2024. Collection method: clinical testing. Allele origin: germline.

Illumina Laboratory Services, Illumina
Classification: Benign for Autosomal dominant centronuclear myopathy. Last evaluated: 2018-01-13. Review status: criteria provided, single submitter. Criteria: ICSL Variant Classification Criteria 13 December 2019. Collection method: clinical testing. Allele origin: germline.
Comment: This variant was observed in the ICSL laboratory as part of a predisposition screen in an ostensibly healthy population. It had not been previously curated by ICSL or reported in the Human Gene Mutation Database (HGMD: prior to June 1st, 2018), and was therefore a candidate for classification through an automated scoring system. Utilizing variant allele frequency, disease prevalence and penetrance estimates, and inheritance mode, an automated score was calculated to assess if this variant is too frequent to cause the disease. Based on the score and internal cut-off values, a variant classified as benign is not then subjected to further curation. The score for this variant resulted in a classification of benign for this disease.

Illumina Laboratory Services, Illumina
Classification: Benign for Charcot-Marie-Tooth disease dominant intermediate B. Last evaluated: 2018-01-13. Review status: criteria provided, single submitter. Criteria: ICSL Variant Classification Criteria 13 December 2019. Collection method: clinical testing. Allele origin: germline.
Comment: the same text as in the submission from Illumina Laboratory Services, Illumina above.

Mayo Clinic Laboratories, Mayo Clinic
Classification: Benign. Last evaluated: 2016-05-26. Review status: criteria provided, single submitter. Criteria: ACMG Guidelines, 2015. Collection method: clinical testing. Allele origin: germline. Observed: 106 variant alleles.

GeneDx
Classification: Benign. Last evaluated: 2014-02-20. Review status: criteria provided, single submitter. Criteria: GeneDx Variant Classification (06012015). Collection method: clinical testing. Allele origin: germline. Affected: yes.
Comment: This variant is considered likely benign or benign based on one or more of the following criteria: it is a conservative change, it occurs at a poorly conserved position in the protein, it is predicted to be benign by multiple in silico algorithms, and/or has population frequency not consistent with disease.

Genetic Services Laboratory, University of Chicago
Classification: Benign. Last evaluated: 2013-02-08. Review status: criteria provided, single submitter. Criteria: ACMG Guidelines, 2007. Collection method: clinical testing. Allele origin: germline. Inheritance: Autosomal dominant inheritance.

Breakthrough Genomics
Classification: Benign. Review status: criteria provided, single submitter. Criteria: ACMG Guidelines, 2015. Collection method: not provided. Allele origin: germline. Inheritance: Autosomal recessive inheritance. Affected: yes.

PreventionGenetics, part of Exact Sciences
Classification: Benign. Review status: criteria provided, single submitter. Criteria: ACMG Guidelines, 2015. Collection method: clinical testing. Allele origin: germline.

Clinical Genetics, Academic Medical Center
Classification: Benign. Review status: no assertion criteria provided. Collection method: clinical testing. Allele origin: germline. Affected: yes. Study: VKGL Data-share Consensus. Not counted in ClinVar's aggregate classification.

Joint Genome Diagnostic Labs from Nijmegen and Maastricht, Radboudumc and MUMC+
Classification: Benign. Review status: no assertion criteria provided. Collection method: clinical testing. Allele origin: germline. Affected: yes. Study: VKGL Data-share Consensus. Not counted in ClinVar's aggregate classification.

NM_001005361.3(DNM2):c.1077C>T (p.Gly359=)

Gene: DNM2 (dynamin 2; plus strand). Cytogenetic location: 19p13.2.
Variant type: single nucleotide variant.
Coding change: c.1077C>T on transcript NM_001005361.3 (MANE Select); coding-DNA position 1077, C replaced by T.
Protein change: p.Gly359=; no amino-acid change (glycine 359 retained).
Molecular consequence: synonymous variant.
Genome position (GRCh38, 1-based): chr19:10,793,804, C>T. VCF-style: chr19-10793804-C-T. GRCh37 (hg19) VCF-style: chr19-10904480-C-T.
Other names: p.G359G:GGC>GGT; p.Gly359=; c.1077C>T, p.Gly359= (NM_001005360.3, NM_001005362.3, NM_001190716.2 and 1 more transcripts).
Identifiers: ClinVar variation 137131 (VCV000137131.39), dbSNP rs112238216, ClinGen allele CA172092.
Genomic context (GRCh38, chr19:10,793,804, plus strand): 5'-TTTTGAGAAGAGGATCGAGGGCTCAGGAGATCAGGTGGACACTCTGGAGCTCTCCGGGGG[C>T]GCCCGAATCAATCGCATCTTCCACGAGCGGTTCCCATTTGAGCTGGTGAAGGTAGTGCCC-3'
Protein context (NP_001005361.1, residues 349-369): DQVDTLELSG[Gly359=]ARINRIFHER